The following is an entry in ClinVar:

ClinVar aggregate classification (germline): Benign (1 of 4 stars; one submission).

Allele frequency attached by ClinVar (database versions not stated): 1000 Genomes Project 0.14177; 1000 Genomes Project 30x 0.14179; gnomAD exomes 0.17728 and 0.22689; ExAC 0.17839; gnomAD 0.19526 and 0.20029; TOPMed 0.19837; ESP Exome Variant Server 0.22036.
gnomAD v4.1: 360,884 of 1,610,436 alleles (22%); highest among the groups gnomAD compares: Non-Finnish European, 25%; 43,548 homozygotes.

Submission:

GeneDx
Classification: Benign. Last evaluated: 2018-07-13. Review status: criteria provided, single submitter. Criteria: GeneDx Variant Classification Process June 2021. Collection method: clinical testing. Allele origin: germline. Affected: yes.
Comment: This variant is associated with the following publications: (PMID: 29379198)

NM_001105564.2(CCHCR1):c.1990G>T (p.Gly664Cys)

Gene: CCHCR1 (coiled-coil alpha-helical rod protein 1; minus strand). Cytogenetic location: 6p21.33.
Variant type: single nucleotide variant.
Coding change: c.1990G>T on transcript NM_001105564.2 (MANE Select); coding-DNA position 1990, G replaced by T.
Protein change: p.Gly664Cys; replaces glycine 664 with cysteine.
Molecular consequence: missense variant.
Genome position (GRCh38, 1-based): chr6:31,144,960, C>A on the plus strand (G>T on the coding strand, the complement: CCHCR1 is on the minus strand). VCF-style: chr6-31144960-C-A. GRCh37 (hg19) VCF-style: chr6-31112737-C-A.
Other names: c.1882G>T, p.Gly628Cys (NM_001105563.3); c.2017G>T, p.Gly673Cys (NM_001394641.1); c.1723G>T, p.Gly575Cys (NM_001394642.1, NM_001394643.1, NM_001394644.1 and 1 more transcripts); c.1714G>T, p.Gly572Cys (NM_001394646.1); c.1645G>T, p.Gly549Cys (NM_001394647.1); c.1615G>T, p.Gly539Cys (NM_001394648.1); c.1366G>T, p.Gly456Cys (NM_001394649.1); short protein forms G456C, G539C, G549C, G572C, G575C, G628C, G664C, G673C.
Identifiers: ClinVar variation 1291637 (VCV001291637.2), dbSNP rs130079, ClinGen allele CA3709058.